The following is an entry in ClinVar:

ClinVar aggregate classification (germline): Conflicting classifications of pathogenicity. Review status: criteria provided, conflicting classifications (1 of 4 stars). 5 submissions from 5 submitters: Uncertain significance (1); Likely benign (3). 1 of the submissions does not count toward it. Last evaluated 2026-02-03.

Conditions:
Peroxisome biogenesis disorder 4A (Zellweger) (PBD4A). Also called: Zellweger syndrome spectrum (PEX6-related). Identifiers: Orphanet 912, MedGen C3553936, MONDO:0013930, OMIM 614862. Disease mechanism: loss of function.
Peroxisome biogenesis disorder. Identifiers: Orphanet 79189, MedGen C1832200, MONDO:0019234. Disease mechanism: loss of function.
Zellweger spectrum disorders (ZS). Also called: Zellweger syndrome; Zellweger Spectrum Disorder (ZSD); Zellweger Spectrum Disorder; Zellweger Spectrum. Identifiers: Orphanet 912, MedGen C0043459, MONDO:0019609.

Allele frequency attached by ClinVar (database versions not stated): ESP Exome Variant Server 0.00015; TOPMed 0.00024; 1000 Genomes Project 30x 0.00062; 1000 Genomes Project 0.00080.
gnomAD v4.1: 150 of 1,613,866 alleles (0.0093%); highest among the groups gnomAD compares: East Asian, 0.19%; 1 homozygote.

Submissions (5):

Labcorp Genetics (formerly Invitae), Labcorp
Classification: Likely benign for Peroxisome biogenesis disorder. Last evaluated: 2026-02-03. Review status: criteria provided, single submitter. Criteria: Invitae Variant Classification Sherloc (09022015). Collection method: clinical testing. Allele origin: germline.

Mayo Clinic Laboratories, Mayo Clinic
Classification: Likely benign. Last evaluated: 2025-01-27. Review status: criteria provided, single submitter. Criteria: ACMG Guidelines, 2015. Collection method: clinical testing. Allele origin: germline. Observed: 1 variant allele.
Comment: BS1, BP4

Blueprint Genetics
Classification: Likely benign. Last evaluated: 2024-11-01. Review status: criteria provided, single submitter. Criteria: ACMG Guidelines, 2015. Collection method: clinical testing. Allele origin: germline.

Illumina Laboratory Services, Illumina
Classification: Uncertain significance for Peroxisome biogenesis disorder 4A (Zellweger). Last evaluated: 2018-01-13. Review status: criteria provided, single submitter. Criteria: ICSL Variant Classification Criteria 13 December 2019. Collection method: clinical testing. Allele origin: germline.

Natera, Inc.
Classification: Likely benign for Zellweger syndrome. Last evaluated: 2019-10-28. Review status: no assertion criteria provided. Collection method: clinical testing. Allele origin: germline. Not counted in ClinVar's aggregate classification.

NM_000287.4(PEX6):c.2907G>C (p.Arg969=)

Gene: PEX6 (peroxisomal biogenesis factor 6; minus strand). Cytogenetic location: 6p21.1.
Variant type: single nucleotide variant.
Coding change: c.2907G>C on transcript NM_000287.4 (MANE Select); coding-DNA position 2907, G replaced by C.
Protein change: p.Arg969=; no amino-acid change (arginine 969 retained).
Molecular consequence: synonymous variant. On other transcripts: non-coding transcript variant (1).
Genome position (GRCh38, 1-based): chr6:42,964,371, C>G on the plus strand (G>C on the coding strand, the complement: PEX6 is on the minus strand). VCF-style: chr6-42964371-C-G. GRCh37 (hg19) VCF-style: chr6-42932109-C-G.
Other names: p.Arg969=; c.2643G>C, p.Arg881= (NM_001316313.2).
Identifiers: ClinVar variation 356792 (VCV000356792.18), dbSNP rs145243129, ClinGen allele CA3810866.